The following is an entry in ClinVar:

NM_016628.5(WAC):c.181A>G (p.Arg61Gly)

Gene: WAC (WW domain containing adaptor with coiled-coil; plus strand). Cytogenetic location: 10p12.1.
Variant type: single nucleotide variant.
Coding change: c.181A>G on transcript NM_016628.5 (MANE Select); coding-DNA position 181, A replaced by G.
Protein change: p.Arg61Gly; replaces arginine 61 with glycine.
Molecular consequence: missense variant.
Genome position (GRCh38, 1-based): chr10:28,535,664, A>G. VCF-style: chr10-28535664-A-G. GRCh37 (hg19) VCF-style: chr10-28824593-A-G.
Other names: c.46A>G, p.Arg16Gly (NM_100264.3); c.181A>G, p.Arg61Gly (NM_100486.4); short protein forms R16G, R61G.
Identifiers: ClinVar variation 3373236 (VCV003373236.1).

ClinVar aggregate classification (germline): Uncertain significance (1 of 4 stars; one submission).

Submission:

GeneDx
Classification: Uncertain significance. Last evaluated: 2024-04-26. Review status: criteria provided, single submitter. Criteria: GeneDx Variant Classification Process June 2021. Collection method: clinical testing. Allele origin: germline. Affected: yes.
Comment: Not observed at significant frequency in large population cohorts (gnomAD); In silico analysis supports that this missense variant has a deleterious effect on protein structure/function; Has not been previously published as pathogenic or benign to our knowledge